The following is an entry in ClinVar:

ClinVar aggregate classification (germline): Benign. Review status: criteria provided, multiple submitters, no conflicts (2 of 4 stars). 2 submissions from 2 submitters: Benign (2). Last evaluated 2018-06-16.

Allele frequency attached by ClinVar (database versions not stated): gnomAD 0.68732 and 0.68946; TOPMed 0.68895; gnomAD exomes 0.69643; 1000 Genomes Project 30x 0.71440; 1000 Genomes Project 0.71446.
gnomAD v4.1: 458,599 of 660,442 alleles (69%); highest among the groups gnomAD compares: East Asian, 79%; 160,233 homozygotes.

Submissions (2):

GeneDx
Classification: Benign. Last evaluated: 2018-06-16. Review status: criteria provided, single submitter. Criteria: GeneDx Variant Classification (06012015). Collection method: clinical testing. Allele origin: germline. Affected: yes.
Comment: This variant is considered likely benign or benign based on one or more of the following criteria: it is a conservative change, it occurs at a poorly conserved position in the protein, it is predicted to be benign by multiple in silico algorithms, and/or has population frequency not consistent with disease.

Breakthrough Genomics
Classification: Benign. Review status: criteria provided, single submitter. Criteria: ACMG Guidelines, 2015. Collection method: not provided. Allele origin: germline. Inheritance: Autosomal recessive inheritance. Affected: yes.

NM_018249.6(CDK5RAP2):c.5579-176T>G

Gene: CDK5RAP2 (CDK5 regulatory subunit associated protein 2; minus strand). Cytogenetic location: 9q33.2.
Variant type: single nucleotide variant.
Coding change: c.5579-176T>G on transcript NM_018249.6 (MANE Select); 176 bases into the intron before coding-DNA position 5579, T replaced by G.
Molecular consequence: intron variant.
Genome position (GRCh38, 1-based): chr9:120,389,963, A>C on the plus strand (T>G on the coding strand, the complement: CDK5RAP2 is on the minus strand). VCF-style: chr9-120389963-A-C. GRCh37 (hg19) VCF-style: chr9-123152241-A-C.
Other names: c.4889-176T>G (NM_001272039.2); c.5342-176T>G (NM_001011649.3).
Identifiers: ClinVar variation 678322 (VCV000678322.2), dbSNP rs2297456, ClinGen allele CA13089996.
Genomic context (GRCh38, chr9:120,389,963, plus strand): 5'-CACGAGGTCTGAAGCATCCAGACCAGAGGGAGGTACAAAGGGCCCACCTGACCCATCACA[A>C]ACCCCAGGGCCAAATAACGCATCAACAACACCTCTTTGAGGCCCCGCTAAGCCACCACCT-3'